The following is an entry in ClinVar:

NM_006662.3(SRCAP):c.5929A>T (p.Ile1977Phe)

Gene: SRCAP (Snf2 related CREBBP activator protein; plus strand). Cytogenetic location: 16p11.2.
Variant type: single nucleotide variant.
Coding change: c.5929A>T on transcript NM_006662.3 (MANE Select); coding-DNA position 5929, A replaced by T.
Protein change: p.Ile1977Phe; replaces isoleucine 1977 with phenylalanine.
Molecular consequence: missense variant.
Genome position (GRCh38, 1-based): chr16:30,729,374, A>T. VCF-style: chr16-30729374-A-T. GRCh37 (hg19) VCF-style: chr16-30740695-A-T.
Other names: c.5929A>T (NM_006662.2); short protein forms I1977F.
Identifiers: ClinVar variation 3613223 (VCV003613223.3).
Genomic context (GRCh38, chr16:30,729,374, plus strand): 5'-CTTCTGGGGCATTTCAGAGTCCCATCTTTTACACTGCCTGCTTCTTCCTTTCACAGGTTC[A>T]TCTTTGTCATGCCTCCTGTGGAGGCACCTCCCCCTTCCCTGCATGCCTGCCACCCACCTC-3'
Protein context (NP_006653.2, residues 1967-1987): DQLSEIIERF[Ile1977Phe]FVMPPVEAPP

ClinVar aggregate classification (germline): Uncertain significance. Review status: criteria provided, multiple submitters, no conflicts (2 of 4 stars). 2 submissions from 2 submitters: Uncertain significance (2). Last evaluated 2025-05-01.

Conditions:
Inborn genetic diseases. Identifiers: MedGen C0950123, MeSH D030342.

gnomAD v4.1: 6 of 1,613,838 alleles (0.00037%); highest among the groups gnomAD compares: Admixed American, 0.0083%; no homozygotes.

Submissions (2):

Labcorp Genetics (formerly Invitae), Labcorp
Classification: Uncertain significance. Last evaluated: 2025-05-01. Review status: criteria provided, single submitter. Criteria: Invitae Variant Classification Sherloc (09022015). Collection method: clinical testing. Allele origin: germline.
Comment: This sequence change replaces isoleucine, which is neutral and non-polar, with phenylalanine, which is neutral and non-polar, at codon 1977 of the SRCAP protein (p.Ile1977Phe). This variant is present in population databases (no rsID available, gnomAD 0.01%). This variant has not been reported in the literature in individuals affected with SRCAP-related conditions. ClinVar contains an entry for this variant (Variation ID: 3613223). Invitae Evidence Modeling of protein sequence and biophysical properties (such as structural, functional, and spatial information, amino acid conservation, physicochemical variation, residue mobility, and thermodynamic stability) indicates that this missense variant is not expected to disrupt SRCAP protein function with a negative predictive value of 80%. In summary, the available evidence is currently insufficient to determine the role of this variant in disease. Therefore, it has been classified as a Variant of Uncertain Significance.

Ambry Genetics
Classification: Uncertain significance for Inborn genetic diseases. Last evaluated: 2025-01-01. Review status: criteria provided, single submitter. Criteria: Ambry Variant Classification Scheme 2023. Collection method: clinical testing. Allele origin: germline.